The following is an entry in ClinVar:

ClinVar aggregate classification (germline): Uncertain significance. Review status: criteria provided, multiple submitters, no conflicts (2 of 4 stars). 2 submissions from 2 submitters: Uncertain significance (2). Last evaluated 2026-05-01.

Allele frequency attached by ClinVar (database versions not stated): ExAC 0.00001; ESP Exome Variant Server 0.00008.
gnomAD v4.1: 10 of 1,614,174 alleles (0.00062%); highest among the groups gnomAD compares: South Asian, 0.0044%; no homozygotes.

Submissions (2):

CeGaT Center for Human Genetics Tuebingen
Classification: Uncertain significance. Last evaluated: 2026-05-01. Review status: criteria provided, single submitter. Criteria: CeGaT Center For Human Genetics Tuebingen Variant Classification Criteria Version 2. Collection method: clinical testing. Allele origin: germline. Affected: yes. Observed: 1 variant allele.
Comment: ARID1A: PP2

Labcorp Genetics (formerly Invitae), Labcorp
Classification: Uncertain significance. Last evaluated: 2024-01-09. Review status: criteria provided, single submitter. Criteria: Invitae Variant Classification Sherloc (09022015). Collection method: clinical testing. Allele origin: germline.
Comment: This sequence change replaces asparagine, which is neutral and polar, with serine, which is neutral and polar, at codon 1079 of the ARID1A protein (p.Asn1079Ser). This variant is present in population databases (rs372945891, gnomAD 0.0009%). This variant has not been reported in the literature in individuals affected with ARID1A-related conditions. Advanced modeling of protein sequence and biophysical properties (such as structural, functional, and spatial information, amino acid conservation, physicochemical variation, residue mobility, and thermodynamic stability) performed at Invitae indicates that this missense variant is not expected to disrupt ARID1A protein function with a negative predictive value of 80%. In summary, the available evidence is currently insufficient to determine the role of this variant in disease. Therefore, it has been classified as a Variant of Uncertain Significance.

NM_006015.6(ARID1A):c.3236A>G (p.Asn1079Ser)

Gene: ARID1A (AT-rich interaction domain 1A; plus strand). Cytogenetic location: 1p36.11.
Variant type: single nucleotide variant.
Coding change: c.3236A>G on transcript NM_006015.6 (MANE Select); coding-DNA position 3236, A replaced by G.
Protein change: p.Asn1079Ser; replaces asparagine 1079 with serine.
Molecular consequence: missense variant.
Genome position (GRCh38, 1-based): chr1:26,771,156, A>G. VCF-style: chr1-26771156-A-G. GRCh37 (hg19) VCF-style: chr1-27097647-A-G.
Other names: c.3236A>G, p.Asn1079Ser (NM_139135.4); short protein forms N1079S.
Identifiers: ClinVar variation 2783852 (VCV002783852.5), dbSNP rs372945891, ClinGen allele CA707178.